The following is an entry in ClinVar:

NM_000122.2(ERCC3):c.1622T>G (p.Phe541Cys)

Gene: ERCC3 (ERCC excision repair 3, TFIIH core complex helicase subunit; minus strand). Cytogenetic location: 2q14.3.
Variant type: single nucleotide variant.
Coding change: c.1622T>G on transcript NM_000122.2 (MANE Select); coding-DNA position 1622, T replaced by G.
Protein change: p.Phe541Cys; replaces phenylalanine 541 with cysteine.
Molecular consequence: missense variant.
Genome position (GRCh38, 1-based): chr2:127,279,281, A>C on the plus strand (T>G on the coding strand, the complement: ERCC3 is on the minus strand). VCF-style: chr2-127279281-A-C. GRCh37 (hg19) VCF-style: chr2-128036857-A-C.
Other names: c.1430T>G, p.Phe477Cys (NM_001303416.2, NM_001303418.2); short protein forms F477C, F541C.
Identifiers: ClinVar variation 2178451 (VCV002178451.1), dbSNP rs753534899, ClinGen allele CA55330948.

ClinVar aggregate classification (germline): Uncertain significance (1 of 4 stars; one submission).

Allele frequency attached by ClinVar (database versions not stated): TOPMed 0.00001; gnomAD 0.00002.
gnomAD v4.1: 75 of 1,613,710 alleles (0.0046%); highest among the groups gnomAD compares: Non-Finnish European, 0.0061%; no homozygotes.

Submission:

Labcorp Genetics (formerly Invitae), Labcorp
Classification: Uncertain significance. Last evaluated: 2022-07-16. Review status: criteria provided, single submitter. Criteria: Invitae Variant Classification Sherloc (09022015). Collection method: clinical testing. Allele origin: germline.
Comment: This sequence change replaces phenylalanine, which is neutral and non-polar, with cysteine, which is neutral and slightly polar, at codon 541 of the ERCC3 protein (p.Phe541Cys). This variant is present in population databases (rs753534899, gnomAD 0.008%). This variant has not been reported in the literature in individuals affected with ERCC3-related conditions. Algorithms developed to predict the effect of missense changes on protein structure and function are either unavailable or do not agree on the potential impact of this missense change (SIFT: "Deleterious"; PolyPhen-2: "Probably Damaging"; Align-GVGD: "Class C0"). In summary, the available evidence is currently insufficient to determine the role of this variant in disease. Therefore, it has been classified as a Variant of Uncertain Significance.